The following is an entry in ClinVar:

ClinVar aggregate classification (germline): Uncertain significance. Review status: criteria provided, multiple submitters, no conflicts (2 of 4 stars). 2 submissions from 2 submitters: Uncertain significance (2). Last evaluated 2023-11-13.

Conditions:
Inborn genetic diseases. Identifiers: MedGen C0950123, MeSH D030342.

Allele frequency attached by ClinVar (database versions not stated): gnomAD 0.00005; TOPMed 0.00014.
gnomAD v4.1: 16 of 1,612,636 alleles (0.00099%); highest among the groups gnomAD compares: Admixed American, 0.017%; no homozygotes.

Submissions (2):

Ambry Genetics
Classification: Uncertain significance for Inborn genetic diseases. Last evaluated: 2023-11-13. Review status: criteria provided, single submitter. Criteria: Ambry Variant Classification Scheme 2023. Collection method: clinical testing. Allele origin: germline.

Labcorp Genetics (formerly Invitae), Labcorp
Classification: Uncertain significance. Last evaluated: 2022-05-20. Review status: criteria provided, single submitter. Criteria: Invitae Variant Classification Sherloc (09022015). Collection method: clinical testing. Allele origin: germline.
Comment: This sequence change replaces histidine, which is basic and polar, with proline, which is neutral and non-polar, at codon 289 of the SLC39A14 protein (p.His289Pro). This variant is present in population databases (no rsID available, gnomAD 0.003%). This variant has not been reported in the literature in individuals affected with SLC39A14-related conditions. Algorithms developed to predict the effect of missense changes on protein structure and function (SIFT, PolyPhen-2, Align-GVGD) all suggest that this variant is likely to be tolerated. In summary, the available evidence is currently insufficient to determine the role of this variant in disease. Therefore, it has been classified as a Variant of Uncertain Significance.

NM_001128431.4(SLC39A14):c.866A>C (p.His289Pro)

Gene: SLC39A14 (solute carrier family 39 member 14; plus strand). Cytogenetic location: 8p21.3.
Variant type: single nucleotide variant.
Coding change: c.866A>C on transcript NM_001128431.4 (MANE Select); coding-DNA position 866, A replaced by C.
Protein change: p.His289Pro; replaces histidine 289 with proline.
Molecular consequence: missense variant.
Genome position (GRCh38, 1-based): chr8:22,415,884, A>C. VCF-style: chr8-22415884-A-C. GRCh37 (hg19) VCF-style: chr8-22273397-A-C.
Other names: c.866A>C (NM_001135153.1); c.866A>C, p.His289Pro (NM_001135153.3, NM_001135154.3, NM_001351655.2 and 3 more transcripts); c.896A>C, p.His299Pro (NM_001351657.2, NM_001351658.2, NM_001351659.2); short protein forms H289P, H299P.
Identifiers: ClinVar variation 2192696 (VCV002192696.5), dbSNP rs1021898754, ClinGen allele CA173874268.